The following is an entry in ClinVar:

NM_004320.6(ATP2A1):c.-12G>A

Gene: ATP2A1 (ATPase sarcoplasmic/endoplasmic reticulum Ca2+ transporting 1; plus strand). Cytogenetic location: 16p11.2.
Variant type: single nucleotide variant.
Coding change: c.-12G>A on transcript NM_004320.6 (MANE Select); 12 bases upstream of the start codon, G replaced by A.
Molecular consequence: 5 prime UTR variant.
Genome position (GRCh38, 1-based): chr16:28,878,660, G>A. VCF-style: chr16-28878660-G-A. GRCh37 (hg19) VCF-style: chr16-28889981-G-A.
Other names: c.-12G>A (NM_173201.5).
Identifiers: ClinVar variation 384851 (VCV000384851.5), dbSNP rs201334168, ClinGen allele CA7986470.
Genomic context (GRCh38, chr16:28,878,660, plus strand): 5'-GAGGAAGACCCCCCACGAGTGGGAACCCCCTGGAAGGAACACACCGGCCCCGGCCCCCAG[G>A]AAGGGAGCACAATGGAGGCCGCTCATGCTAAAACCACGGAGGAATGTTTGGCCTATTTTG-3'

ClinVar aggregate classification (germline): Likely benign. Review status: criteria provided, multiple submitters, no conflicts (2 of 4 stars). 2 submissions from 2 submitters: Likely benign (2). Last evaluated 2018-01-13.

Conditions:
Brody myopathy. Also called: BRODY DISEASE. Identifiers: Orphanet 53347, MedGen C1832918, MONDO:0010977, OMIM 601003.

Allele frequency attached by ClinVar (database versions not stated): gnomAD 0.00010 and 0.00017; gnomAD exomes 0.00011 and 0.00041; TOPMed 0.00023; 1000 Genomes Project 30x 0.00078; ExAC 0.00079; 1000 Genomes Project 0.00080.
gnomAD v4.1: 180 of 1,588,176 alleles (0.011%); highest among the groups gnomAD compares: East Asian, 0.4%; no homozygotes.

Submissions (2):

Illumina Laboratory Services, Illumina
Classification: Likely benign for Brody myopathy. Last evaluated: 2018-01-13. Review status: criteria provided, single submitter. Criteria: ICSL Variant Classification Criteria 13 December 2019. Collection method: clinical testing. Allele origin: germline.
Comment: This variant was observed in the ICSL laboratory as part of a predisposition screen in an ostensibly healthy population. It had not been previously curated by ICSL or reported in the Human Gene Mutation Database (HGMD: prior to June 1st, 2018), and was therefore a candidate for classification through an automated scoring system. Utilizing variant allele frequency, disease prevalence and penetrance estimates, and inheritance mode, an automated score was calculated to assess if this variant is too frequent to cause the disease. Based on the score and internal cut-off values, a variant classified as likely benign is not then subjected to further curation. The score for this variant resulted in a classification of likely benign for this disease.

GeneDx
Classification: Likely benign. Last evaluated: 2016-04-18. Review status: criteria provided, single submitter. Criteria: GeneDx Variant Classification (06012015). Collection method: clinical testing. Allele origin: germline. Affected: yes.
Comment: This variant is considered likely benign or benign based on one or more of the following criteria: it is a conservative change, it occurs at a poorly conserved position in the protein, it is predicted to be benign by multiple in silico algorithms, and/or has population frequency not consistent with disease.